The following is an entry in ClinVar:

NM_002691.4(POLD1):c.1318C>T (p.Gln440Ter)

Gene: POLD1 (DNA polymerase delta 1, catalytic subunit; plus strand). Cytogenetic location: 19q13.33.
Variant type: single nucleotide variant.
Coding change: c.1318C>T on transcript NM_002691.4 (MANE Select); coding-DNA position 1318, C replaced by T.
Protein change: p.Gln440Ter; replaces glutamine 440 with a stop codon.
Molecular consequence: nonsense. On other transcripts: non-coding transcript variant (1).
Genome position (GRCh38, 1-based): chr19:50,406,257, C>T. VCF-style: chr19-50406257-C-T. GRCh37 (hg19) VCF-style: chr19-50909514-C-T.
Other names: c.1318C>T, p.Gln440Ter (NM_001256849.1, NM_001308632.1); c.1318C>T (NM_002691.2); short protein forms Q440*.
Identifiers: ClinVar variation 408077 (VCV000408077.11), dbSNP rs1060501841, ClinGen allele CA16616372.
Genomic context (GRCh38, chr19:50,406,257, plus strand): 5'-TTCCTGGGCCGTGTGGCCGGCCTTTGCTCCAACATCCGGGACTCTTCATTCCAGTCCAAG[C>T]AGACGGGCCGGCGGGACACCAAGGTTGTCAGCATGGTGGGCCGCGTGCAGATGGACATGC-3'

ClinVar aggregate classification (germline): Uncertain significance. Review status: criteria provided, multiple submitters, no conflicts (2 of 4 stars). 2 submissions from 2 submitters: Uncertain significance (2). Last evaluated 2025-11-13.

Conditions:
POLD1-related polyposis and colorectal cancer syndrome (CRCS10). Also called: Colorectal cancer, susceptibility to, 10; Colorectal cancer 10; COLORECTAL CANCER, SUSCEPTIBILITY TO, ON CHROMOSOME 19q. Identifiers: Orphanet 220460, MedGen C2675481, MONDO:0012953, OMIM 612591.
Hereditary cancer-predisposing syndrome. Also called: Neoplastic Syndromes, Hereditary; Hereditary neoplastic syndrome; Hereditary Cancer Syndrome; Tumor predisposition. Identifiers: Orphanet 140162, MedGen C0027672, MeSH D009386, MONDO:0015356.

Submissions (2):

Labcorp Genetics (formerly Invitae), Labcorp
Classification: Uncertain significance for POLD1-related polyposis and colorectal cancer syndrome. Last evaluated: 2025-11-13. Review status: criteria provided, single submitter. Criteria: Invitae Variant Classification Sherloc (09022015). Collection method: clinical testing. Allele origin: germline.
Comment: This sequence change creates a premature translational stop signal (p.Gln440*) in the POLD1 gene. Missense variants that disrupt the 3'-5' exonuclease (proof-reading) activity of the POLD1 protein are associated with PPAP (polymerase proofreading–associated polyposis) (PMID: 23263490, 23447401). However, loss-of-function variants that result in an absent or severely disrupted POLD1 protein, and missense variants outside the exonuclease domain, are unlikely to be associated with PPAP. This variant is not present in population databases (gnomAD no frequency). This variant has not been reported in the literature in individuals affected with POLD1-related conditions. ClinVar contains an entry for this variant (Variation ID: 408077). In summary, the available evidence is currently insufficient to determine the role of this variant in disease. Therefore, it has been classified as a Variant of Uncertain Significance.

Ambry Genetics
Classification: Uncertain significance for Hereditary cancer-predisposing syndrome. Last evaluated: 2025-07-09. Review status: criteria provided, single submitter. Criteria: Ambry Variant Classification Scheme 2023. Collection method: clinical testing. Allele origin: germline.
Comment: The p.Q440* variant (also known as c.1318C>T), located in coding exon 10 of the POLD1 gene, results from a C to T substitution at nucleotide position 1318. This alteration is expected to result in protein truncation or nonsense-mediated mRNA decay. However, loss of function of POLD1 has not been established as a mechanism of disease. Based on the available evidence, the clinical significance of this alteration remains unclear.

Literature cited by the submitters: PubMed 23263490 (cited by Labcorp Genetics (formerly Invitae), Labcorp); PubMed 23447401 (cited by Labcorp Genetics (formerly Invitae), Labcorp).